The following is an entry in ClinVar:

NM_000127.3(EXT1):c.472C>G (p.Leu158Val)

Gene: EXT1 (exostosin glycosyltransferase 1; minus strand). Cytogenetic location: 8q24.11.
Variant type: single nucleotide variant.
Coding change: c.472C>G on transcript NM_000127.3 (MANE Select); coding-DNA position 472, C replaced by G.
Protein change: p.Leu158Val; replaces leucine 158 with valine.
Molecular consequence: missense variant.
Genome position (GRCh38, 1-based): chr8:118,110,575, G>C on the plus strand (C>G on the coding strand, the complement: EXT1 is on the minus strand). VCF-style: chr8-118110575-G-C. GRCh37 (hg19) VCF-style: chr8-119122814-G-C.
Other names: short protein forms L158V.
Identifiers: ClinVar variation 2884846 (VCV002884846.3), dbSNP rs758078822, ClinGen allele CA4854354.

ClinVar aggregate classification (germline): Uncertain significance (1 of 4 stars; one submission).

Conditions:
Multiple congenital exostosis (EXT). Also called: Hereditary multiple exostoses; Hereditary multiple exostosis; MULTIPLE CARTILAGINOUS EXOSTOSES; Multiple osteochondromas; Hereditary multiple osteochondromas; Multiple exostoses. Identifiers: Orphanet 321, MedGen C0015306, MONDO:0005508, HP:0002762.

Allele frequency attached by ClinVar (database versions not stated): gnomAD 0.00001; TOPMed 0.00001; ExAC 0.00002; gnomAD exomes 0.00002.
gnomAD v4.1: 27 of 1,614,096 alleles (0.0017%); highest among the groups gnomAD compares: Non-Finnish European, 0.0022%; no homozygotes.

Submission:

Labcorp Genetics (formerly Invitae), Labcorp
Classification: Uncertain significance for Multiple congenital exostosis. Last evaluated: 2023-11-17. Review status: criteria provided, single submitter. Criteria: Invitae Variant Classification Sherloc (09022015). Collection method: clinical testing. Allele origin: germline.
Comment: This sequence change replaces leucine, which is neutral and non-polar, with valine, which is neutral and non-polar, at codon 158 of the EXT1 protein (p.Leu158Val). This variant is present in population databases (rs758078822, gnomAD 0.003%). This variant has not been reported in the literature in individuals affected with EXT1-related conditions. Advanced modeling of protein sequence and biophysical properties (such as structural, functional, and spatial information, amino acid conservation, physicochemical variation, residue mobility, and thermodynamic stability) performed at Invitae indicates that this missense variant is not expected to disrupt EXT1 protein function with a negative predictive value of 80%. In summary, the available evidence is currently insufficient to determine the role of this variant in disease. Therefore, it has been classified as a Variant of Uncertain Significance.